The following is an entry in ClinVar:

ClinVar aggregate classification (germline): Conflicting classifications of pathogenicity. Review status: criteria provided, conflicting classifications (1 of 4 stars). 4 submissions from 4 submitters: Uncertain significance (2); Likely benign (2). Last evaluated 2026-02-17.

Conditions:
Emery-Dreifuss muscular dystrophy 5, autosomal dominant (EDMD5). Also called: EMERY-DREIFUSS MUSCULAR DYSTROPHY 5. Identifiers: Orphanet 261, MedGen C2751805, MONDO:0013072, OMIM 612999.

Allele frequency attached by ClinVar (database versions not stated): ExAC 0.00002; gnomAD exomes 0.00003; TOPMed 0.00004; gnomAD 0.00009; 1000 Genomes Project 0.00020; 1000 Genomes Project 30x 0.00031.
gnomAD v4.1: 59 of 1,613,840 alleles (0.0037%); highest among the groups gnomAD compares: African/African-American, 0.013%; no homozygotes.

Submissions (4):

Women's Health and Genetics/Laboratory Corporation of America, LabCorp
Classification: Uncertain significance. Last evaluated: 2026-02-17. Review status: criteria provided, single submitter. Criteria: LabCorp Variant Classification Summary - May 2015. Collection method: clinical testing. Allele origin: germline.
Comment: Variant summary: SYNE2 c.12301C>T (p.Arg4101Trp) results in a non-conservative amino acid change in the encoded protein sequence. Algorithms developed to predict the effect of missense changes on protein structure and function are either unavailable or do not agree on the potential impact of this missense change. The variant allele was found at a frequency of 5.6e-05 in 251198 control chromosomes. This frequency is not significantly higher than estimated for disease-causing variants in SYNE2, allowing no conclusion about variant significance. To our knowledge, no occurrence of c.12301C>T in individuals affected with SYNE2-related conditions and no experimental evidence demonstrating its impact on protein function have been reported. ClinVar contains an entry for this variant (Variation ID: 2644295). Based on the evidence outlined above, the variant was classified as uncertain significance.

Ambry Genetics
Classification: Likely benign. Last evaluated: 2025-06-07. Review status: criteria provided, single submitter. Criteria: Ambry Variant Classification Scheme 2023. Collection method: clinical testing. Allele origin: germline.

Labcorp Genetics (formerly Invitae), Labcorp
Classification: Uncertain significance for Emery-Dreifuss muscular dystrophy 5, autosomal dominant. Last evaluated: 2024-03-04. Review status: criteria provided, single submitter. Criteria: Invitae Variant Classification Sherloc (09022015). Collection method: clinical testing. Allele origin: germline.
Comment: This sequence change replaces arginine, which is basic and polar, with tryptophan, which is neutral and slightly polar, at codon 4101 of the SYNE2 protein (p.Arg4101Trp). This variant is present in population databases (rs553454041, gnomAD 0.009%). This variant has not been reported in the literature in individuals affected with SYNE2-related conditions. ClinVar contains an entry for this variant (Variation ID: 2644295). Algorithms developed to predict the effect of missense changes on protein structure and function output the following: SIFT: "Not Available"; PolyPhen-2: "Benign"; Align-GVGD: "Not Available". The tryptophan amino acid residue is found in multiple mammalian species, which suggests that this missense change does not adversely affect protein function. In summary, the available evidence is currently insufficient to determine the role of this variant in disease. Therefore, it has been classified as a Variant of Uncertain Significance.

CeGaT Center for Human Genetics Tuebingen
Classification: Likely benign. Last evaluated: 2022-08-01. Review status: criteria provided, single submitter. Criteria: CeGaT Center For Human Genetics Tuebingen Variant Classification Criteria Version 2. Collection method: clinical testing. Allele origin: germline. Affected: yes. Observed: 1 variant allele.
Comment: SYNE2: BP4

NM_182914.3(SYNE2):c.12301C>T (p.Arg4101Trp)

Gene: SYNE2 (spectrin repeat containing nuclear envelope protein 2; plus strand). Cytogenetic location: 14q23.2.
Variant type: single nucleotide variant.
Coding change: c.12301C>T on transcript NM_182914.3 (MANE Select); coding-DNA position 12301, C replaced by T.
Protein change: p.Arg4101Trp; replaces arginine 4101 with tryptophan.
Molecular consequence: missense variant.
Genome position (GRCh38, 1-based): chr14:64,098,141, C>T. VCF-style: chr14-64098141-C-T. GRCh37 (hg19) VCF-style: chr14-64564859-C-T.
Other names: c.12301C>T (NM_182914.2); c.12301C>T, p.Arg4101Trp (NM_015180.6); short protein forms R4101W.
Identifiers: ClinVar variation 2644295 (VCV002644295.28), dbSNP rs553454041, ClinGen allele CA7222061.